The following is an entry in ClinVar:

ClinVar aggregate classification (germline): Likely benign. Review status: criteria provided, single submitter (1 of 4 stars). 2 submissions from 2 submitters: Likely benign (1). 1 of the submissions does not count toward it. Last evaluated 2025-12-22.

Conditions:
NBAS-related disorder. Also called: NBAS-related condition.

Allele frequency attached by ClinVar (database versions not stated): ExAC 0.00002; gnomAD 0.00002; gnomAD exomes 0.00002; TOPMed 0.00002; ESP Exome Variant Server 0.00023.
gnomAD v4.1: 45 of 1,613,676 alleles (0.0028%); highest among the groups gnomAD compares: Middle Eastern, 0.016%; no homozygotes.

Submissions (2):

Labcorp Genetics (formerly Invitae), Labcorp
Classification: Likely benign. Last evaluated: 2025-12-22. Review status: criteria provided, single submitter. Criteria: Invitae Variant Classification Sherloc (09022015). Collection method: clinical testing. Allele origin: germline.

PreventionGenetics, part of Exact Sciences
Classification: Likely benign for NBAS-related condition. Last evaluated: 2024-09-01. Review status: no assertion criteria provided. Collection method: clinical testing. Allele origin: germline. Not counted in ClinVar's aggregate classification.
Comment: This variant is classified as likely benign based on ACMG/AMP sequence variant interpretation guidelines (Richards et al. 2015 PMID: 25741868, with internal and published modifications).

NM_015909.4(NBAS):c.996C>T (p.Leu332=)

Gene: NBAS (NBAS subunit of NRZ tethering complex; minus strand). Cytogenetic location: 2p24.3.
Variant type: single nucleotide variant.
Coding change: c.996C>T on transcript NM_015909.4 (MANE Select); coding-DNA position 996, C replaced by T.
Protein change: p.Leu332=; no amino-acid change (leucine 332 retained).
Molecular consequence: synonymous variant. On other transcripts: non-coding transcript variant (1).
Genome position (GRCh38, 1-based): chr2:15,488,981, G>A on the plus strand (C>T on the coding strand, the complement: NBAS is on the minus strand). VCF-style: chr2-15488981-G-A. GRCh37 (hg19) VCF-style: chr2-15629105-G-A.
Other names: c.996C>T (NM_015909.3).
Identifiers: ClinVar variation 1646828 (VCV001646828.9), dbSNP rs137936086, ClinGen allele CA1536826.